The following is an entry in ClinVar:

ClinVar aggregate classification (germline): Uncertain significance (1 of 4 stars; one submission).

Conditions:
Norman-Roberts syndrome (LIS2). Also called: Lissencephaly 2 (Norman-Roberts type). Identifiers: Orphanet 89844, MedGen C0796089, MONDO:0009760, OMIM 257320.
Familial temporal lobe epilepsy 7. Identifiers: Orphanet 101046, MedGen C4225327, MONDO:0014639, OMIM 616436.

Submission:

Labcorp Genetics (formerly Invitae), Labcorp
Classification: Uncertain significance for Familial temporal lobe epilepsy 7; Norman-Roberts syndrome. Last evaluated: 2021-04-16. Review status: criteria provided, single submitter. Criteria: Invitae Variant Classification Sherloc (09022015). Collection method: clinical testing. Allele origin: germline.
Comment: In summary, the available evidence is currently insufficient to determine the role of this variant in disease. Therefore, it has been classified as a Variant of Uncertain Significance. Algorithms developed to predict the effect of missense changes on protein structure and function are either unavailable or do not agree on the potential impact of this missense change (SIFT: "Deleterious"; PolyPhen-2: "Probably Damaging"; Align-GVGD: "Class C0"). This variant has not been reported in the literature in individuals with RELN-related conditions. This variant is not present in population databases (ExAC no frequency). This sequence change replaces serine with threonine at codon 1067 of the RELN protein (p.Ser1067Thr). The serine residue is highly conserved and there is a small physicochemical difference between serine and threonine.

NM_005045.4(RELN):c.3199T>A (p.Ser1067Thr)

Gene: RELN (reelin; minus strand). Cytogenetic location: 7q22.1.
Variant type: single nucleotide variant.
Coding change: c.3199T>A on transcript NM_005045.4 (MANE Select); coding-DNA position 3199, T replaced by A.
Protein change: p.Ser1067Thr; replaces serine 1067 with threonine.
Molecular consequence: missense variant.
Genome position (GRCh38, 1-based): chr7:103,603,438, A>T on the plus strand (T>A on the coding strand, the complement: RELN is on the minus strand). VCF-style: chr7-103603438-A-T. GRCh37 (hg19) VCF-style: chr7-103243885-A-T.
Other names: c.3199T>A, p.Ser1067Thr (NM_173054.3); short protein forms S1067T.
Identifiers: ClinVar variation 1346032 (VCV001346032.8), dbSNP rs2117271684, ClinGen allele CA368763301.